The following is an entry in ClinVar:

NM_001256441.2(C19orf47):c.453C>T (p.Arg151=)

Gene: C19orf47 (chromosome 19 open reading frame 47; minus strand). Cytogenetic location: 19q13.2.
Variant type: single nucleotide variant.
Coding change: c.453C>T on transcript NM_001256441.2 (MANE Select); coding-DNA position 453, C replaced by T.
Protein change: p.Arg151=; no amino-acid change (arginine 151 retained).
Molecular consequence: synonymous variant. On other transcripts: non-coding transcript variant (2).
Genome position (GRCh38, 1-based): chr19:40,326,473, G>A on the plus strand (C>T on the coding strand, the complement: C19orf47 is on the minus strand). VCF-style: chr19-40326473-G-A. GRCh37 (hg19) VCF-style: chr19-40832380-G-A.
Other names: c.564C>T, p.Arg188= (NM_001256440.1).
Identifiers: ClinVar variation 2649874 (VCV002649874.24), dbSNP rs149925272, ClinGen allele CA9442333.

ClinVar aggregate classification (germline): Likely benign (1 of 4 stars; one submission).

Allele frequency attached by ClinVar (database versions not stated): 1000 Genomes Project 30x 0.00016; 1000 Genomes Project 0.00020; ExAC 0.00037; gnomAD 0.00050; TOPMed 0.00052; ESP Exome Variant Server 0.00069; gnomAD exomes 0.00076.
gnomAD v4.1: 1,218 of 1,613,442 alleles (0.075%); highest among the groups gnomAD compares: Non-Finnish European, 0.094%; 2 homozygotes.

Submission:

CeGaT Center for Human Genetics Tuebingen
Classification: Likely benign. Last evaluated: 2022-09-01. Review status: criteria provided, single submitter. Criteria: CeGaT Center For Human Genetics Tuebingen Variant Classification Criteria Version 2. Collection method: clinical testing. Allele origin: germline. Affected: yes. Observed: 1 variant allele.
Comment: C19orf47: BP4, BP7